The following is an entry in ClinVar:

NM_000059.4(BRCA2):c.6313A>G (p.Ile2105Val)

Gene: BRCA2 (BRCA2 DNA repair associated; plus strand). Cytogenetic location: 13q13.1.
Variant type: single nucleotide variant.
Coding change: c.6313A>G on transcript NM_000059.4 (MANE Select); coding-DNA position 6313, A replaced by G.
Protein change: p.Ile2105Val; replaces isoleucine 2105 with valine.
Molecular consequence: missense variant.
Genome position (GRCh38, 1-based): chr13:32,340,668, A>G. VCF-style: chr13-32340668-A-G. GRCh37 (hg19) VCF-style: chr13-32914805-A-G.
Other names: short protein forms I2105V.
Identifiers: ClinVar variation 38034 (VCV000038034.14), dbSNP rs397507368, ClinGen allele CA023857.

ClinVar aggregate classification (germline): Conflicting classifications of pathogenicity. Review status: criteria provided, conflicting classifications (1 of 4 stars). 4 submissions from 4 submitters: Uncertain significance (2); Likely benign (1). 1 of the submissions does not count toward it. Last evaluated 2025-02-04.

Conditions:
Hereditary cancer-predisposing syndrome. Also called: Tumor predisposition; Neoplastic Syndromes, Hereditary; Hereditary neoplastic syndrome; Hereditary Cancer Syndrome. Identifiers: Orphanet 140162, MedGen C0027672, MeSH D009386, MONDO:0015356.
Hereditary breast ovarian cancer syndrome. Also called: Hereditary breast and ovarian cancer; Hereditary breast and ovarian cancer syndrome (HBOC); Hereditary breast and/or ovarian cancer syndrome; Breast and ovarian cancer; Hereditary breast and ovarian cancer syndrome; BRCA1- and BRCA2-Associated Hereditary Breast and Ovarian Cancer. Identifiers: Orphanet 145, MedGen C0677776, MeSH D061325, MONDO:0003582. Disease mechanism: loss of function.
Breast-ovarian cancer, familial, susceptibility to, 2 (BROVCA2). Also called: BRCA2 Hereditary Breast and Ovarian Cancer. Identifiers: Orphanet 145, MedGen C2675520, MONDO:0012933, OMIM 612555. Disease mechanism: loss of function.

Allele frequency attached by ClinVar (database versions not stated): gnomAD exomes below 0.00001.
gnomAD v4.1: 1 of 1,607,960 alleles (0.000062%); highest among the groups gnomAD compares: East Asian, 0.0022%; no homozygotes.

Submissions (4):

Ambry Genetics
Classification: Uncertain significance for Hereditary cancer-predisposing syndrome. Last evaluated: 2025-02-04. Review status: criteria provided, single submitter. Criteria: Ambry Variant Classification Scheme 2023. Collection method: clinical testing. Allele origin: germline.
Comment: The p.I2105V variant (also known as c.6313A>G), located in coding exon 10 of the BRCA2 gene, results from an A to G substitution at nucleotide position 6313. The isoleucine at codon 2105 is replaced by valine, an amino acid with highly similar properties. This amino acid position is poorly conserved in available vertebrate species. In addition, this alteration is predicted to be tolerated by in silico analysis. Since supporting evidence is limited at this time, the clinical significance of this alteration remains unclear.

University of Washington Department of Laboratory Medicine, University of Washington
Classification: Likely benign for Hereditary cancer-predisposing syndrome. Last evaluated: 2023-03-23. Review status: criteria provided, single submitter. Criteria: Dines et al. (Genet Med. 2020). Collection method: curation. Allele origin: germline.
Comment: Missense variant in a coldspot region where missense variants are very unlikely to be pathogenic (PMID:31911673).

BRCA2 exon 11 coldspot. Reclassification based on statistical prior probability.

Labcorp Genetics (formerly Invitae), Labcorp
Classification: Uncertain significance for Hereditary breast ovarian cancer syndrome. Last evaluated: 2022-07-05. Review status: criteria provided, single submitter. Criteria: Invitae Variant Classification Sherloc (09022015). Collection method: clinical testing. Allele origin: germline.
Comment: ClinVar contains an entry for this variant (Variation ID: 38034). This variant has not been reported in the literature in individuals affected with BRCA2-related conditions. This variant is present in population databases (rs397507368, gnomAD 0.006%). This sequence change replaces isoleucine, which is neutral and non-polar, with valine, which is neutral and non-polar, at codon 2105 of the BRCA2 protein (p.Ile2105Val). In summary, the available evidence is currently insufficient to determine the role of this variant in disease. Therefore, it has been classified as a Variant of Uncertain Significance. Studies have shown that this missense change does not affect mRNA splicing (PMID: 29280214). Advanced modeling of protein sequence and biophysical properties (such as structural, functional, and spatial information, amino acid conservation, physicochemical variation, residue mobility, and thermodynamic stability) performed at Invitae indicates that this missense variant is not expected to disrupt BRCA2 protein function.

Sharing Clinical Reports Project (SCRP)
Classification: Uncertain significance for Breast-ovarian cancer, familial 2. Last evaluated: 2006-11-09. Review status: no assertion criteria provided. Collection method: clinical testing. Allele origin: germline. Not counted in ClinVar's aggregate classification.

Literature cited by the submitters: PubMed 29280214 (cited by Labcorp Genetics (formerly Invitae), Labcorp).